The following is an entry in ClinVar:

NM_000718.4(CACNA1B):c.2651A>T (p.Glu884Val)

Gene: CACNA1B (calcium voltage-gated channel subunit alpha1 B; plus strand). Cytogenetic location: 9q34.3.
Variant type: single nucleotide variant.
Coding change: c.2651A>T on transcript NM_000718.4 (MANE Select); coding-DNA position 2651, A replaced by T.
Protein change: p.Glu884Val; replaces glutamic acid 884 with valine.
Molecular consequence: missense variant.
Genome position (GRCh38, 1-based): chr9:138,023,394, A>T. VCF-style: chr9-138023394-A-T. GRCh37 (hg19) VCF-style: chr9-140917846-A-T.
Other names: c.2651A>T, p.Glu884Val (NM_001243812.2); short protein forms E884V.
Identifiers: ClinVar variation 1683265 (VCV001683265.1), dbSNP rs2133438747, ClinGen allele CA375809847.

ClinVar aggregate classification (germline): Uncertain significance (1 of 4 stars; one submission).

Submission:

Women's Health and Genetics/Laboratory Corporation of America, LabCorp
Classification: Uncertain significance. Last evaluated: 2022-04-05. Review status: criteria provided, single submitter. Criteria: LabCorp Variant Classification Summary - May 2015. Collection method: clinical testing. Allele origin: germline.
Comment: Variant summary: CACNA1B c.2651A>T (p.Glu884Val) results in a non-conservative amino acid change in the encoded protein sequence. Three of five in-silico tools predict a damaging effect of the variant on protein function. The variant was absent in 8524 control chromosomes. The available data on variant occurrences in the general population are insufficient to allow any conclusion about variant significance. To our knowledge, no occurrence of c.2651A>T in individuals affected with Neurodevelopmental Disorder With Seizures And Nonepileptic Hyperkinetic Movements and no experimental evidence demonstrating its impact on protein function have been reported. No clinical diagnostic laboratories have submitted clinical-significance assessments for this variant to ClinVar after 2014. Based on the evidence outlined above, the variant was classified as uncertain significance.